The following is an entry in ClinVar:

NM_000038.6(APC):c.352T>A (p.Phe118Ile)

Gene: APC (APC regulator of Wnt signaling pathway; plus strand). Cytogenetic location: 5q22.2.
Variant type: single nucleotide variant.
Coding change: c.352T>A on transcript NM_000038.6 (MANE Select); coding-DNA position 352, T replaced by A.
Protein change: p.Phe118Ile; replaces phenylalanine 118 with isoleucine.
Molecular consequence: missense variant. On other transcripts: 5 prime UTR variant (4), non-coding transcript variant (2).
Genome position (GRCh38, 1-based): chr5:112,767,320, T>A. VCF-style: chr5-112767320-T-A. GRCh37 (hg19) VCF-style: chr5-112103017-T-A.
Other names: c.352T>A, p.Phe118Ile (NM_001127510.3, NM_001354895.2, NM_001354896.2 and 16 more transcripts); c.382T>A, p.Phe128Ile (NM_001127511.3, NM_001354897.2, NM_001354902.2 and 1 more transcripts); c.277T>A, p.Phe93Ile (NM_001354898.2, NM_001354904.2, NM_001407451.1); c.175T>A, p.Phe59Ile (NM_001354900.2, NM_001354901.2, NM_001354905.2 and 1 more transcripts); c.-684T>A (NM_001354906.2, NM_001407470.1, NM_001407471.1 and 1 more transcripts); short protein forms F118I, F128I, F59I, F93I.
Identifiers: ClinVar variation 3411107 (VCV003411107.1).

ClinVar aggregate classification (germline): Uncertain significance (1 of 4 stars; one submission).

Conditions:
Hereditary cancer-predisposing syndrome. Also called: Neoplastic Syndromes, Hereditary; Tumor predisposition; Hereditary Cancer Syndrome; Hereditary neoplastic syndrome. Identifiers: Orphanet 140162, MedGen C0027672, MeSH D009386, MONDO:0015356.

Submission:

Ambry Genetics
Classification: Uncertain significance for Hereditary cancer-predisposing syndrome. Last evaluated: 2024-09-16. Review status: criteria provided, single submitter. Criteria: Ambry Variant Classification Scheme 2023. Collection method: clinical testing. Allele origin: germline.
Comment: The p.F118I variant (also known as c.352T>A), located in coding exon 3 of the APC gene, results from a T to A substitution at nucleotide position 352. The phenylalanine at codon 118 is replaced by isoleucine, an amino acid with highly similar properties. This amino acid position is conserved. In addition, in silico predictors for this gene do not accurately predict pathogenicity. Based on the available evidence, the clinical significance of this variant remains unclear.